The following is an entry in ClinVar:

ClinVar aggregate classification (germline): Uncertain significance. Review status: criteria provided, multiple submitters, no conflicts (2 of 4 stars). 2 submissions from 2 submitters: Uncertain significance (2). Last evaluated 2025-08-31.

Conditions:
Emery-Dreifuss muscular dystrophy (EDMD). Also called: Scapuloperoneal syndrome, X-linked (formerly); Humeroperoneal neuromuscular disease, (formerly). Identifiers: Orphanet 261, MedGen C0410189, MONDO:0016830.

Allele frequency attached by ClinVar (database versions not stated): gnomAD exomes below 0.00001; TOPMed below 0.00001; gnomAD 0.00001.
gnomAD v4.1: 5 of 1,613,818 alleles (0.00031%); highest among the groups gnomAD compares: East Asian, 0.0045%; no homozygotes.

Submissions (2):

Ambry Genetics
Classification: Uncertain significance. Last evaluated: 2025-08-31. Review status: criteria provided, single submitter. Criteria: Ambry Variant Classification Scheme 2023. Collection method: clinical testing. Allele origin: germline.

Labcorp Genetics (formerly Invitae), Labcorp
Classification: Uncertain significance for Emery-Dreifuss muscular dystrophy. Last evaluated: 2023-12-06. Review status: criteria provided, single submitter. Criteria: Invitae Variant Classification Sherloc (09022015). Collection method: clinical testing. Allele origin: germline.
Comment: This sequence change replaces arginine, which is basic and polar, with glycine, which is neutral and non-polar, at codon 83 of the SUN2 protein (p.Arg83Gly). This variant is present in population databases (no rsID available, gnomAD no frequency). This variant has not been reported in the literature in individuals affected with SUN2-related conditions. ClinVar contains an entry for this variant (Variation ID: 1372176). An algorithm developed to predict the effect of missense changes on protein structure and function (PolyPhen-2) suggests that this variant is likely to be tolerated. In summary, the available evidence is currently insufficient to determine the role of this variant in disease. Therefore, it has been classified as a Variant of Uncertain Significance.

NM_015374.3(SUN2):c.247A>G (p.Arg83Gly)

Gene: SUN2 (Sad1 and UNC84 domain containing 2; minus strand). Cytogenetic location: 22q13.1.
Variant type: single nucleotide variant.
Coding change: c.247A>G on transcript NM_015374.3 (MANE Select); coding-DNA position 247, A replaced by G.
Protein change: p.Arg83Gly; replaces arginine 83 with glycine.
Molecular consequence: missense variant. On other transcripts: intron variant (1).
Genome position (GRCh38, 1-based): chr22:38,751,249, T>C on the plus strand (A>G on the coding strand, the complement: SUN2 is on the minus strand). VCF-style: chr22-38751249-T-C. GRCh37 (hg19) VCF-style: chr22-39147254-T-C.
Other names: c.247A>G (NM_015374.2); c.247A>G, p.Arg83Gly (NM_001199579.2, NM_001199580.2, NM_001394427.1 and 16 more transcripts); c.157A>G, p.Arg53Gly (NM_001394438.1); c.122+1258A>G (NM_001394443.1); short protein forms R53G, R83G.
Identifiers: ClinVar variation 1372176 (VCV001372176.9), dbSNP rs1474913633, ClinGen allele CA411587183.